The following is an entry in ClinVar:

NM_020832.3(ZNF687):c.2797A>T (p.Ser933Cys)

Gene: ZNF687 (zinc finger protein 687; plus strand). Cytogenetic location: 1q21.3.
Variant type: single nucleotide variant.
Coding change: c.2797A>T on transcript NM_020832.3 (MANE Select); coding-DNA position 2797, A replaced by T.
Protein change: p.Ser933Cys; replaces serine 933 with cysteine.
Molecular consequence: missense variant.
Genome position (GRCh38, 1-based): chr1:151,289,840, A>T. VCF-style: chr1-151289840-A-T. GRCh37 (hg19) VCF-style: chr1-151262316-A-T.
Other names: c.2797A>T, p.Ser933Cys (NM_001304763.2, NM_001304764.2); short protein forms S933C.
Identifiers: ClinVar variation 2122514 (VCV002122514.4), dbSNP rs2528533409, ClinGen allele CA341954577.

ClinVar aggregate classification (germline): Uncertain significance (1 of 4 stars; one submission).

Allele frequency attached by ClinVar (database versions not stated): gnomAD exomes below 0.00001.

Submission:

Labcorp Genetics (formerly Invitae), Labcorp
Classification: Uncertain significance. Last evaluated: 2022-04-07. Review status: criteria provided, single submitter. Criteria: Invitae Variant Classification Sherloc (09022015). Collection method: clinical testing. Allele origin: germline.
Comment: In summary, the available evidence is currently insufficient to determine the role of this variant in disease. Therefore, it has been classified as a Variant of Uncertain Significance. Algorithms developed to predict the effect of missense changes on protein structure and function are either unavailable or do not agree on the potential impact of this missense change (SIFT: "Tolerated"; PolyPhen-2: "Possibly Damaging"; Align-GVGD: "Class C15"). This variant has not been reported in the literature in individuals affected with ZNF687-related conditions. This variant is not present in population databases (gnomAD no frequency). This sequence change replaces serine, which is neutral and polar, with cysteine, which is neutral and slightly polar, at codon 933 of the ZNF687 protein (p.Ser933Cys).